The following is an entry in ClinVar:

NM_006648.4(WNK2):c.2537C>G (p.Pro846Arg)

Gene: WNK2 (WNK lysine deficient protein kinase 2; plus strand). Cytogenetic location: 9q22.31.
Variant type: single nucleotide variant.
Coding change: c.2537C>G on transcript NM_006648.4 (MANE Select); coding-DNA position 2537, C replaced by G.
Protein change: p.Pro846Arg; replaces proline 846 with arginine.
Molecular consequence: missense variant.
Genome position (GRCh38, 1-based): chr9:93,259,085, C>G. VCF-style: chr9-93259085-C-G. GRCh37 (hg19) VCF-style: chr9-96021367-C-G.
Other names: c.2537C>G, p.Pro846Arg (NM_001282394.3); short protein forms P846R.
Identifiers: ClinVar variation 3816651 (VCV003816651.1).

ClinVar aggregate classification (germline): Uncertain significance (1 of 4 stars; one submission).

Submission:

Ambry Genetics
Classification: Uncertain significance. Last evaluated: 2024-12-28. Review status: criteria provided, single submitter. Criteria: Ambry Variant Classification Scheme 2023. Collection method: clinical testing. Allele origin: germline.
Comment: The p.P846R variant (also known as c.2537C>G), located in coding exon 11 of the WNK2 gene, results from a C to G substitution at nucleotide position 2537. The proline at codon 846 is replaced by arginine, an amino acid with dissimilar properties. This amino acid position is conserved. In addition, the in silico prediction for this alteration is inconclusive. Based on the available evidence, the clinical significance of this variant remains unclear.